The following is an entry in ClinVar:

ClinVar aggregate classification (germline): Uncertain significance (1 of 4 stars; one submission).

Allele frequency attached by ClinVar (database versions not stated): gnomAD exomes 0.00001; TOPMed 0.00002; gnomAD 0.00001.
gnomAD v4.1: 5 of 1,612,794 alleles (0.00031%); highest among the groups gnomAD compares: African/African-American, 0.0067%; no homozygotes.

Submission:

Labcorp Genetics (formerly Invitae), Labcorp
Classification: Uncertain significance. Last evaluated: 2025-04-11. Review status: criteria provided, single submitter. Criteria: Invitae Variant Classification Sherloc (09022015). Collection method: clinical testing. Allele origin: germline.
Comment: This sequence change replaces arginine, which is basic and polar, with lysine, which is basic and polar, at codon 239 of the CHRM2 protein (p.Arg239Lys). This variant is not present in population databases (gnomAD no frequency). This variant has not been reported in the literature in individuals affected with CHRM2-related conditions. ClinVar contains an entry for this variant (Variation ID: 2170697). An algorithm developed to predict the effect of missense changes on protein structure and function outputs the following: PolyPhen-2: "Benign". The lysine amino acid residue is found in multiple mammalian species, which suggests that this missense change does not adversely affect protein function. In summary, the available evidence is currently insufficient to determine the role of this variant in disease. Therefore, it has been classified as a Variant of Uncertain Significance.

NM_001006630.2(CHRM2):c.716G>A (p.Arg239Lys)

Genes: CHRM2 (cholinergic receptor muscarinic 2; plus strand), LOC349160 (uncharacterized LOC349160; minus strand). Cytogenetic location: 7q33.
Variant type: single nucleotide variant.
Coding change: c.716G>A on transcript NM_001006630.2 (MANE Select); coding-DNA position 716, G replaced by A.
Protein change: p.Arg239Lys; replaces arginine 239 with lysine.
Molecular consequence: missense variant.
Genome position (GRCh38, 1-based): chr7:137,015,581, G>A. VCF-style: chr7-137015581-G-A. GRCh37 (hg19) VCF-style: chr7-136700328-G-A.
Other names: c.716G>A, p.Arg239Lys (NM_000739.3, NM_001006626.3, NM_001006627.3 and 6 more transcripts); short protein forms R239K.
Identifiers: ClinVar variation 2170697 (VCV002170697.4), dbSNP rs949756685, ClinGen allele CA167698554.